The following is an entry in ClinVar:

ClinVar aggregate classification (germline): Conflicting classifications of pathogenicity. Review status: criteria provided, conflicting classifications (1 of 4 stars). 3 submissions from 3 submitters: Uncertain significance (2); Likely benign (1). Last evaluated 2024-02-09.

Conditions:
Developmental and epileptic encephalopathy, 36 (DEE36). Also called: Epileptic encephalopathy, early infantile, 36; Congenital disorder of glycosylation, type Is; ALG13-CDG. Identifiers: Orphanet 324422, MedGen C4317295, MONDO:0010472, OMIM 300884.

Allele frequency attached by ClinVar (database versions not stated): TOPMed below 0.00001; gnomAD exomes 0.00001.

Submissions (3):

Labcorp Genetics (formerly Invitae), Labcorp
Classification: Likely benign for Developmental and epileptic encephalopathy, 36. Last evaluated: 2024-02-09. Review status: criteria provided, single submitter. Criteria: Invitae Variant Classification Sherloc (09022015). Collection method: clinical testing. Allele origin: germline.

GeneDx
Classification: Uncertain significance. Last evaluated: 2022-11-14. Review status: criteria provided, single submitter. Criteria: GeneDx Variant Classification Process June 2021. Collection method: clinical testing. Allele origin: germline. Affected: yes.
Comment: Not observed at significant frequency in large population cohorts (gnomAD); In silico analysis supports that this missense variant has a deleterious effect on protein structure/function; Has not been previously published as pathogenic or benign to our knowledge

Fulgent Genetics
Classification: Uncertain significance for Developmental and epileptic encephalopathy, 36. Last evaluated: 2021-09-13. Review status: criteria provided, single submitter. Criteria: ACMG Guidelines, 2015. Collection method: clinical testing. Allele origin: unknown.

NM_001099922.3(ALG13):c.1954G>T (p.Gly652Cys)

Gene: ALG13 (ALG13 UDP-N-acetylglucosaminyltransferase subunit; plus strand). Cytogenetic location: Xq23.
Variant type: single nucleotide variant.
Coding change: c.1954G>T on transcript NM_001099922.3 (MANE Select); coding-DNA position 1954, G replaced by T.
Protein change: p.Gly652Cys; replaces glycine 652 with cysteine.
Molecular consequence: missense variant. On other transcripts: non-coding transcript variant (1).
Genome position (GRCh38, 1-based): chrX:111,727,033, G>T. VCF-style: chrX-111727033-G-T. GRCh37 (hg19) VCF-style: chrX-110970261-G-T.
Other names: c.1954G>T (NM_001099922.2); c.1642G>T, p.Gly548Cys (NM_001257230.2, NM_001257234.2, NM_001257237.2); c.1720G>T, p.Gly574Cys (NM_001257231.2); c.1954G>T, p.Gly652Cys (NM_001324292.2); c.1468G>T, p.Gly490Cys (NM_001324293.1); short protein forms G490C, G548C, G574C, G652C.
Identifiers: ClinVar variation 1009892 (VCV001009892.10), dbSNP rs1164687660, ClinGen allele CA414252918.